The following is an entry in ClinVar:

NM_001371986.1(UNC80):c.1696C>T (p.Arg566Ter)

Gene: UNC80 (unc-80 subunit of NALCN channel complex; plus strand). Cytogenetic location: 2q34.
Variant type: single nucleotide variant.
Coding change: c.1696C>T on transcript NM_001371986.1 (MANE Select); coding-DNA position 1696, C replaced by T.
Protein change: p.Arg566Ter; replaces arginine 566 with a stop codon.
Molecular consequence: nonsense.
Genome position (GRCh38, 1-based): chr2:209,818,995, C>T. VCF-style: chr2-209818995-C-T. GRCh37 (hg19) VCF-style: chr2-210683719-C-T.
Other names: c.1696C>T, p.Arg566Ter (NM_032504.2, NM_182587.4); short protein forms R566*.
Identifiers: ClinVar variation 1028448 (VCV001028448.3), dbSNP rs1036056877, ClinGen allele CA64668167.

ClinVar aggregate classification (germline): Pathogenic/Likely pathogenic. Review status: criteria provided, multiple submitters, no conflicts (2 of 4 stars). 2 submissions from 2 submitters: Pathogenic (1); Likely pathogenic (1). Last evaluated 2026-04-06.

Conditions:
Hypotonia, infantile, with psychomotor retardation and characteristic facies 2 (IHPRF2). Also called: UNC80 Deficiency. Identifiers: Orphanet 371364, Orphanet 700333, MedGen C4225203, MONDO:0014777, OMIM 616801.

Allele frequency attached by ClinVar (database versions not stated): TOPMed 0.00002; gnomAD exomes 0.00001 and below 0.00001; gnomAD 0.00001.
gnomAD v4.1: 7 of 1,550,624 alleles (0.00045%); highest among the groups gnomAD compares: Admixed American, 0.0039%; no homozygotes.

Submissions (2):

GeneDx
Classification: Likely pathogenic. Last evaluated: 2026-04-06. Review status: criteria provided, single submitter. Criteria: GeneDx Variant Classification Process June 2021. Collection method: clinical testing. Allele origin: germline.
Comment: Nonsense variant predicted to result in protein truncation or nonsense mediated decay in a gene for which loss of function is a known mechanism of disease; Not observed at significant frequency in large population cohorts (gnomAD); Has not been previously published as pathogenic or benign to our knowledge

Baylor Genetics
Classification: Pathogenic for Hypotonia, infantile, with psychomotor retardation and characteristic facies 2. Last evaluated: 2019-12-28. Review status: criteria provided, single submitter. Criteria: ACMG Guidelines, 2015. Collection method: clinical testing. Allele origin: unknown. Affected: yes.
Comment: This variant was determined to be pathogenic according to ACMG Guidelines, 2015 [PMID:25741868].